The following is an entry in ClinVar:

ClinVar aggregate classification (germline): Uncertain significance (1 of 4 stars; one submission).

Conditions:
Combined oxidative phosphorylation defect type 27. Also called: Combined oxidative phosphorylation deficiency 27. Identifiers: Orphanet 477774, MedGen C5567608, MONDO:0014728, OMIM 616672.

gnomAD v4.1: 8 of 1,611,708 alleles (0.0005%); highest among the groups gnomAD compares: Non-Finnish European, 0.00068%; no homozygotes.

Submission:

Victorian Clinical Genetics Services, Murdoch Childrens Research Institute
Classification: Uncertain significance for Combined oxidative phosphorylation defect type 27. Last evaluated: 2019-08-28. Review status: criteria provided, single submitter. Criteria: ACMG Guidelines, 2015. Collection method: clinical testing. Allele origin: germline. Inheritance: Autosomal recessive inheritance.
Comment: A heterozygous (non-canonical) splice site variant was identified, NM_024537.3(CARS2):c.465+3A>G in intron 4 of the CARS2 gene. Further testing via RNA studies are required to confirm if splicing is altered. The nucleotide at this position has low conservation (PhyloP UCSC). In silico software does not predict the splice site variant to cause aberrant splicing (NetGene2, Fruit fly). The variant is not present in the gnomAD population database, and has not been previously observed in clinical cases. Based on information available at the time of curation, this variant has been classified as a VARIANT of UNCERTAIN SIGNIFICANCE (VUS).

NM_024537.4(CARS2):c.465+3A>G

Gene: CARS2 (cysteinyl-tRNA synthetase 2, mitochondrial; minus strand). Cytogenetic location: 13q34.
Variant type: single nucleotide variant.
Coding change: c.465+3A>G on transcript NM_024537.4 (MANE Select); 3 bases into the intron after coding-DNA position 465, A replaced by G.
Molecular consequence: intron variant.
Genome position (GRCh38, 1-based): chr13:110,687,944, T>C on the plus strand (A>G on the coding strand, the complement: CARS2 is on the minus strand). VCF-style: chr13-110687944-T-C. GRCh37 (hg19) VCF-style: chr13-111340291-T-C.
Other names: c.-535+3A>G (NM_001352252.2); c.465+3A>G (NM_001352253.3).
Identifiers: ClinVar variation 1805644 (VCV001805644.1), dbSNP rs2502135758, ClinGen allele CA913203524.